The following is an entry in ClinVar:

NM_173630.4(RTTN):c.5890G>A (p.Asp1964Asn)

Gene: RTTN (rotatin; minus strand). Cytogenetic location: 18q22.2.
Variant type: single nucleotide variant.
Coding change: c.5890G>A on transcript NM_173630.4 (MANE Select); coding-DNA position 5890, G replaced by A.
Protein change: p.Asp1964Asn; replaces aspartic acid 1964 with asparagine.
Molecular consequence: missense variant.
Genome position (GRCh38, 1-based): chr18:70,024,782, C>T on the plus strand (G>A on the coding strand, the complement: RTTN is on the minus strand). VCF-style: chr18-70024782-C-T. GRCh37 (hg19) VCF-style: chr18-67692018-C-T.
Other names: c.3154G>A, p.Asp1052Asn (NM_001318520.2); short protein forms D1052N, D1964N.
Identifiers: ClinVar variation 1408578 (VCV001408578.6), dbSNP rs2056806590, ClinGen allele CA402685122.

ClinVar aggregate classification (germline): Uncertain significance (1 of 4 stars; one submission).

Allele frequency attached by ClinVar (database versions not stated): TOPMed 0.00002.

Submission:

Labcorp Genetics (formerly Invitae), Labcorp
Classification: Uncertain significance. Last evaluated: 2021-11-14. Review status: criteria provided, single submitter. Criteria: Invitae Variant Classification Sherloc (09022015). Collection method: clinical testing. Allele origin: germline.
Comment: This sequence change replaces aspartic acid, which is acidic and polar, with asparagine, which is neutral and polar, at codon 1964 of the RTTN protein (p.Asp1964Asn). This variant is not present in population databases (gnomAD no frequency). This variant has not been reported in the literature in individuals affected with RTTN-related conditions. Algorithms developed to predict the effect of missense changes on protein structure and function are either unavailable or do not agree on the potential impact of this missense change (SIFT: "Tolerated"; PolyPhen-2: "Probably Damaging"; Align-GVGD: "Class C0"). In summary, the available evidence is currently insufficient to determine the role of this variant in disease. Therefore, it has been classified as a Variant of Uncertain Significance.